The following is an entry in ClinVar:

ClinVar aggregate classification (germline): Uncertain significance (1 of 4 stars; one submission).

Conditions:
Long QT syndrome (LQTS). Identifiers: MedGen C0023976, MeSH D008133, MONDO:0002442. Disease mechanism: loss of function. Inheritance: Various modes of inheritance.

gnomAD v4.1: 1 of 1,614,110 alleles (0.000062%); highest among the groups gnomAD compares: Admixed American, 0.0017%; no homozygotes.

Submission:

Labcorp Genetics (formerly Invitae), Labcorp
Classification: Uncertain significance for Long QT syndrome. Last evaluated: 2025-05-22. Review status: criteria provided, single submitter. Criteria: Invitae Variant Classification Sherloc (09022015). Collection method: clinical testing. Allele origin: germline.
Comment: This sequence change replaces serine, which is neutral and polar, with tyrosine, which is neutral and polar, at codon 140 of the KCNH2 protein (p.Ser140Tyr). This variant is present in population databases (no rsID available, gnomAD 0.003%). This variant has not been reported in the literature in individuals affected with KCNH2-related conditions. ClinVar contains an entry for this variant (Variation ID: 1945738). An algorithm developed to predict the effect of missense changes on protein structure and function (PolyPhen-2) suggests that this variant is likely to be tolerated. In summary, the available evidence is currently insufficient to determine the role of this variant in disease. Therefore, it has been classified as a Variant of Uncertain Significance.

NM_000238.4(KCNH2):c.419C>A (p.Ser140Tyr)

Gene: KCNH2 (potassium voltage-gated channel subfamily H member 2; minus strand). Cytogenetic location: 7q36.1.
Variant type: single nucleotide variant.
Coding change: c.419C>A on transcript NM_000238.4 (MANE Select); coding-DNA position 419, C replaced by A.
Protein change: p.Ser140Tyr; replaces serine 140 with tyrosine.
Molecular consequence: missense variant.
Genome position (GRCh38, 1-based): chr7:150,959,625, G>T on the plus strand (C>A on the coding strand, the complement: KCNH2 is on the minus strand). VCF-style: chr7-150959625-G-T. GRCh37 (hg19) VCF-style: chr7-150656713-G-T.
Other names: c.131C>A, p.Ser44Tyr (NM_001406753.1, NM_001406756.1); c.242C>A, p.Ser81Tyr (NM_001406755.1); c.119C>A, p.Ser40Tyr (NM_001406757.1); c.419C>A, p.Ser140Tyr (NM_172056.3); short protein forms S40Y, S44Y, S140Y, S81Y.
Identifiers: ClinVar variation 1945738 (VCV001945738.5), dbSNP rs1287920132, ClinGen allele CA369863691.